The following is an entry in ClinVar:

NM_006269.2(RP1):c.4687A>T (p.Met1563Leu)

Gene: RP1 (RP1 axonemal microtubule associated; plus strand). Cytogenetic location: 8q12.1.
Variant type: single nucleotide variant.
Coding change: c.4687A>T on transcript NM_006269.2 (MANE Select); coding-DNA position 4687, A replaced by T.
Protein change: p.Met1563Leu; replaces methionine 1563 with leucine.
Molecular consequence: missense variant. On other transcripts: intron variant (1).
Genome position (GRCh38, 1-based): chr8:54,628,569, A>T. VCF-style: chr8-54628569-A-T. GRCh37 (hg19) VCF-style: chr8-55541129-A-T.
Other names: c.4687A>T (NM_006269.1); c.787+6281A>T (NM_001375654.1); short protein forms M1563L.
Identifiers: ClinVar variation 2788313 (VCV002788313.4), dbSNP rs759145323, ClinGen allele CA4751930.
Genomic context (GRCh38, chr8:54,628,569, plus strand): 5'-GATTCTAAGCAAAATAGTGAAAAGGAGACCAATGAAGGAGAAACTAAGATGGTAAAAATG[A>T]TGGTGAAAACTATGGAAACTGGAAGTTATTCAGAGTCCTCTCCTGATTTAAAAAAATGCA-3'
Protein context (NP_006260.1, residues 1553-1573): NEGETKMVKM[Met1563Leu]VKTMETGSYS

ClinVar aggregate classification (germline): Uncertain significance. Review status: criteria provided, multiple submitters, no conflicts (2 of 4 stars). 2 submissions from 2 submitters: Uncertain significance (2). Last evaluated 2026-03-10.

Conditions:
Inborn genetic diseases. Identifiers: MedGen C0950123, MeSH D030342.

Allele frequency attached by ClinVar (database versions not stated): gnomAD exomes below 0.00001; ExAC 0.00001.

Submissions (2):

Ambry Genetics
Classification: Uncertain significance for Inborn genetic diseases. Last evaluated: 2026-03-10. Review status: criteria provided, single submitter. Criteria: Ambry Variant Classification Scheme 2023. Collection method: clinical testing. Allele origin: germline.

Labcorp Genetics (formerly Invitae), Labcorp
Classification: Uncertain significance. Last evaluated: 2023-03-02. Review status: criteria provided, single submitter. Criteria: Invitae Variant Classification Sherloc (09022015). Collection method: clinical testing. Allele origin: germline.
Comment: In summary, the available evidence is currently insufficient to determine the role of this variant in disease. Therefore, it has been classified as a Variant of Uncertain Significance. Algorithms developed to predict the effect of missense changes on protein structure and function output the following: SIFT: "Not Available"; PolyPhen-2: "Benign"; Align-GVGD: "Not Available". The leucine amino acid residue is found in multiple mammalian species, which suggests that this missense change does not adversely affect protein function. This variant has not been reported in the literature in individuals affected with RP1-related conditions. This variant is present in population databases (rs759145323, gnomAD 0.003%). This sequence change replaces methionine, which is neutral and non-polar, with leucine, which is neutral and non-polar, at codon 1563 of the RP1 protein (p.Met1563Leu).